The following is an entry in ClinVar:

ClinVar aggregate classification (germline): Benign. Review status: criteria provided, multiple submitters, no conflicts (2 of 4 stars). 2 submissions from 2 submitters: Benign (2). Last evaluated 2018-01-12.

Conditions:
CBL-related disorder. Also called: NOONAN SYNDROME-LIKE DISORDER WITHOUT JUVENILE MYELOMONOCYTIC LEUKEMIA; CBL MUTATION-ASSOCIATED SYNDROME; CBL SYNDROME. Identifiers: Orphanet 363972, MedGen C3150803, MONDO:0013308, OMIM 613563.

Allele frequency attached by ClinVar (database versions not stated): gnomAD exomes 0.00045; TOPMed 0.00092; 1000 Genomes Project 30x 0.00094; 1000 Genomes Project 0.00100.
gnomAD v4.1: 203 of 222,604 alleles (0.091%); highest among the groups gnomAD compares: African/African-American, 0.26%; no homozygotes.

Submissions (2):

Illumina Laboratory Services, Illumina
Classification: Benign for CBL-related disorder. Last evaluated: 2018-01-12. Review status: criteria provided, single submitter. Criteria: ICSL Variant Classification Criteria 13 December 2019. Collection method: clinical testing. Allele origin: germline.
Comment: This variant was observed in the ICSL laboratory as part of a predisposition screen in an ostensibly healthy population. It had not been previously curated by ICSL or reported in the Human Gene Mutation Database (HGMD: prior to June 1st, 2018), and was therefore a candidate for classification through an automated scoring system. Utilizing variant allele frequency, disease prevalence and penetrance estimates, and inheritance mode, an automated score was calculated to assess if this variant is too frequent to cause the disease. Based on the score and internal cut-off values, a variant classified as benign is not then subjected to further curation. The score for this variant resulted in a classification of benign for this disease.

Breakthrough Genomics
Classification: Benign. Review status: criteria provided, single submitter. Criteria: ACMG Guidelines, 2015. Collection method: not provided. Allele origin: germline. Inheritance: Autosomal dominant inheritance. Affected: yes.

NM_005188.4(CBL):c.*7949C>A

Gene: CBL (Cbl proto-oncogene; plus strand). Cytogenetic location: 11q23.3.
Variant type: single nucleotide variant.
Coding change: c.*7949C>A on transcript NM_005188.4 (MANE Select); 7949 bases downstream of the stop codon, C replaced by A.
Molecular consequence: 3 prime UTR variant.
Genome position (GRCh38, 1-based): chr11:119,307,730, C>A. VCF-style: chr11-119307730-C-A. GRCh37 (hg19) VCF-style: chr11-119178440-C-A.
Identifiers: ClinVar variation 302910 (VCV000302910.6), dbSNP rs142183037, ClinGen allele CA10630062.